The following is an entry in ClinVar:

ClinVar aggregate classification (germline): Likely pathogenic (1 of 4 stars; one submission).

gnomAD v4.1: 2 of 1,614,008 alleles (0.00012%); highest among the groups gnomAD compares: Non-Finnish European, 0.00017%; no homozygotes.

Submission:

Labcorp Genetics (formerly Invitae), Labcorp
Classification: Likely pathogenic. Last evaluated: 2021-12-24. Review status: criteria provided, single submitter. Criteria: Invitae Variant Classification Sherloc (09022015). Collection method: clinical testing. Allele origin: germline.
Comment: Algorithms developed to predict the effect of sequence changes on RNA splicing suggest that this variant may disrupt the consensus splice site. In summary, the currently available evidence indicates that the variant is pathogenic, but additional data are needed to prove that conclusively. Therefore, this variant has been classified as Likely Pathogenic. This sequence change affects a donor splice site in intron 3 of the CA4 gene. It is expected to disrupt RNA splicing. Variants that disrupt the donor or acceptor splice site typically lead to a loss of protein function (PMID: 16199547), and loss-of-function variants in CA4 are known to be pathogenic (PMID: 33090715). This variant is not present in population databases (gnomAD no frequency). Disruption of this splice site has been observed in individual(s) with retinal dystrophy (Invitae).

Literature cited by the submitters: PubMed 16199547; PubMed 33090715.

NM_000717.5(CA4):c.268+1G>A

Gene: CA4 (carbonic anhydrase 4; plus strand). Cytogenetic location: 17q23.1.
Variant type: single nucleotide variant.
Coding change: c.268+1G>A on transcript NM_000717.5 (MANE Select); the canonical splice donor site of the intron after coding-DNA position 268, G replaced by A.
Molecular consequence: splice donor variant.
Genome position (GRCh38, 1-based): chr17:60,156,716, G>A. VCF-style: chr17-60156716-G-A. GRCh37 (hg19) VCF-style: chr17-58234077-G-A.
Identifiers: ClinVar variation 2056863 (VCV002056863.4), dbSNP rs1567730151, ClinGen allele CA400454211.